The following is an entry in ClinVar:

ClinVar aggregate classification (germline): Uncertain significance (1 of 4 stars; one submission).

Conditions:
Arrhythmogenic right ventricular dysplasia 9 (ARVD9). Also called: Arrhythmogenic Right Ventricular Dysplasia/Cardiomyopathy 9; ARRHYTHMOGENIC RIGHT VENTRICULAR DYSPLASIA, FAMILIAL, 9. Identifiers: MedGen C1836906, MONDO:0012180, OMIM 609040.

gnomAD v4.1: 1 of 1,603,228 alleles (0.000062%); highest among the groups gnomAD compares: Admixed American, 0.0017%; no homozygotes.

Submission:

Labcorp Genetics (formerly Invitae), Labcorp
Classification: Uncertain significance for Arrhythmogenic right ventricular dysplasia 9. Last evaluated: 2020-02-11. Review status: criteria provided, single submitter. Criteria: Invitae Variant Classification Sherloc (09022015). Collection method: clinical testing. Allele origin: germline.
Comment: This sequence change replaces isoleucine with asparagine at codon 594 of the PKP2 protein (p.Ile594Asn). The isoleucine residue is highly conserved and there is a large physicochemical difference between isoleucine and asparagine. Algorithms developed to predict the effect of missense changes on protein structure and function (SIFT, PolyPhen-2, Align-GVGD) all suggest that this variant is likely to be disruptive, but these predictions have not been confirmed by published functional studies and their clinical significance is uncertain. This variant has not been reported in the literature in individuals with PKP2-related disease. This variant is not present in population databases (ExAC no frequency). In summary, the available evidence is currently insufficient to determine the role of this variant in disease. Therefore, it has been classified as a Variant of Uncertain Significance.

NM_001005242.3(PKP2):c.1649T>A (p.Ile550Asn)

Gene: PKP2 (plakophilin 2; minus strand). Cytogenetic location: 12p11.21.
Variant type: single nucleotide variant.
Coding change: c.1649T>A on transcript NM_001005242.3 (MANE Select); coding-DNA position 1649, T replaced by A.
Protein change: p.Ile550Asn; replaces isoleucine 550 with asparagine.
Molecular consequence: missense variant.
Genome position (GRCh38, 1-based): chr12:32,824,070, A>T on the plus strand (T>A on the coding strand, the complement: PKP2 is on the minus strand). VCF-style: chr12-32824070-A-T. GRCh37 (hg19) VCF-style: chr12-32977004-A-T.
Other names: c.1781T>A, p.Ile594Asn (NM_004572.4); short protein forms I550N, I594N.
Identifiers: ClinVar variation 662048 (VCV000662048.10), dbSNP rs1592738583, ClinGen allele CA384364611.